The following is an entry in ClinVar:

NM_001348768.2(HECW2):c.4181A>G (p.Asn1394Ser)

Gene: HECW2 (HECT, C2 and WW domain containing E3 ubiquitin protein ligase 2; minus strand). Cytogenetic location: 2q32.3.
Variant type: single nucleotide variant.
Coding change: c.4181A>G on transcript NM_001348768.2 (MANE Select); coding-DNA position 4181, A replaced by G.
Protein change: p.Asn1394Ser; replaces asparagine 1394 with serine.
Molecular consequence: missense variant.
Genome position (GRCh38, 1-based): chr2:196,220,907, T>C on the plus strand (A>G on the coding strand, the complement: HECW2 is on the minus strand). VCF-style: chr2-196220907-T-C. GRCh37 (hg19) VCF-style: chr2-197085631-T-C.
Other names: c.4181A>G (NM_020760.1); c.3113A>G, p.Asn1038Ser (NM_001304840.3); c.4181A>G, p.Asn1394Ser (NM_020760.4); short protein forms N1038S, N1394S.
Identifiers: ClinVar variation 718508 (VCV000718508.40), dbSNP rs149764323, ClinGen allele CA2037566.
Genomic context (GRCh38, chr2:196,220,907, plus strand): 5'-ATCCTCCACTTCACCATCCTCTCGATGTACTCCTTCTTGTTCTTCTCTGTAACTGGGATA[T>C]TGGCACCCCCTGGCTTTAATTCTCGTTCAGTTATCTGAGATTACAAAATAAAAAGAATGA-3'
Protein context (NP_001335697.1, residues 1384-1404): TERELKPGGA[Asn1394Ser]IPVTEKNKKE

ClinVar aggregate classification (germline): Benign/Likely benign. Review status: criteria provided, multiple submitters, no conflicts (2 of 4 stars). 8 submissions from 8 submitters: Benign (3); Likely benign (4). 1 of the submissions does not count toward it. Last evaluated 2025-03-01.

Conditions:
HECW2-related disorder. Also called: HECW2-related condition.
Intellectual disability. Also called: Intellectual developmental disorder; intellectual disabilities; Intellectual functioning disability. Identifiers: MedGen C3714756, MeSH D008607, MONDO:0001071, HP:0001249.
Neurodevelopmental disorder with hypotonia, seizures, and absent language (NDHSAL). Identifiers: MedGen C4310643, MONDO:0014995, OMIM 617268.
Inborn genetic diseases. Identifiers: MedGen C0950123, MeSH D030342.

Allele frequency attached by ClinVar (database versions not stated): 1000 Genomes Project 0.00020; ExAC 0.00027; gnomAD exomes 0.00034 and 0.00059; gnomAD 0.00041 and 0.00044; TOPMed 0.00047; 1000 Genomes Project 30x 0.00062; ESP Exome Variant Server 0.00077.
gnomAD v4.1: 950 of 1,614,132 alleles (0.059%); highest among the groups gnomAD compares: Non-Finnish European, 0.072%; 1 homozygote.

Submissions (8):

CeGaT Center for Human Genetics Tuebingen
Classification: Likely benign. Last evaluated: 2025-03-01. Review status: criteria provided, single submitter. Criteria: CeGaT Center For Human Genetics Tuebingen Variant Classification Criteria Version 2. Collection method: clinical testing. Allele origin: germline. Affected: yes. Observed: 3 variant alleles.
Comment: HECW2: PP2, BS2

Blueprint Genetics
Classification: Likely benign. Last evaluated: 2024-08-07. Review status: criteria provided, single submitter. Criteria: ACMG Guidelines, 2015. Collection method: clinical testing. Allele origin: germline.

Fulgent Genetics
Classification: Likely benign for Neurodevelopmental disorder with hypotonia, seizures, and absent language. Last evaluated: 2021-08-10. Review status: criteria provided, single submitter. Criteria: ACMG Guidelines, 2015. Collection method: clinical testing. Allele origin: unknown.

Ambry Genetics
Classification: Likely benign for Inborn genetic diseases. Last evaluated: 2021-07-14. Review status: criteria provided, single submitter. Criteria: Ambry Variant Classification Scheme 2023. Collection method: clinical testing. Allele origin: germline.

Cambridge Genomics Laboratory, East Genomic Laboratory Hub, NHS Genomic Medicine Service
Classification: Benign for Intellectual disability. Last evaluated: 2020-07-13. Review status: criteria provided, single submitter. Criteria: ACGS Best Practice Guidelines for Variant Classification in Rare Disease 2020. Collection method: clinical testing. Allele origin: germline. Affected: yes. Observed: 1 variant allele.

Labcorp Genetics (formerly Invitae), Labcorp
Classification: Benign. Last evaluated: 2018-05-09. Review status: criteria provided, single submitter. Criteria: Invitae Variant Classification Sherloc (09022015). Collection method: clinical testing. Allele origin: germline.

Breakthrough Genomics
Classification: Benign. Review status: criteria provided, single submitter. Criteria: ACMG Guidelines, 2015. Collection method: not provided. Allele origin: germline. Inheritance: Autosomal dominant inheritance. Affected: yes.

PreventionGenetics, part of Exact Sciences
Classification: Likely benign for HECW2-related condition. Last evaluated: 2022-04-21. Review status: no assertion criteria provided. Collection method: clinical testing. Allele origin: germline. Not counted in ClinVar's aggregate classification.
Comment: This variant is classified as likely benign based on ACMG/AMP sequence variant interpretation guidelines (Richards et al. 2015 PMID: 25741868, with internal and published modifications).